The following is an entry in ClinVar:

NM_001110556.2(FLNA):c.1433G>A (p.Cys478Tyr)

Gene: FLNA (filamin A; minus strand). Cytogenetic location: Xq28.
Variant type: single nucleotide variant.
Coding change: c.1433G>A on transcript NM_001110556.2 (MANE Select); coding-DNA position 1433, G replaced by A.
Protein change: p.Cys478Tyr; replaces cysteine 478 with tyrosine.
Molecular consequence: missense variant.
Genome position (GRCh38, 1-based): chrX:154,365,483, C>T on the plus strand (G>A on the coding strand, the complement: FLNA is on the minus strand). VCF-style: chrX-154365483-C-T. GRCh37 (hg19) VCF-style: chrX-153593851-C-T.
Other names: c.1433G>A, p.Cys478Tyr (NM_001456.4); short protein forms C478Y.
Identifiers: ClinVar variation 2943503 (VCV002943503.3), dbSNP rs2522758002, ClinGen allele CA415243578.

ClinVar aggregate classification (germline): Uncertain significance (1 of 4 stars; one submission).

Conditions:
Oto-palato-digital syndrome, type II (OPD2). Also called: FACIOPALATOOSSEOUS SYNDROME; OPD II SYNDROME; Otopalatodigital Syndrome, Type II; Otopalatodigital Syndrome Type 2 (FLNA-OPD2). Identifiers: Orphanet 669, Orphanet 90652, MedGen C1844696, MONDO:0010571, OMIM 304120.
Heterotopia, periventricular, X-linked dominant (PVNH1). Also called: PERIVENTRICULAR NODULAR HETEROTOPIA 1; X-linked periventricular heterotopia; PERIVENTRICULAR NODULAR HETEROTOPIA 4; HETEROTOPIA, PERIVENTRICULAR, 1. Identifiers: Orphanet 2149, Orphanet 82004, MedGen C1848213, MONDO:0010233, OMIM 300049.
Frontometaphyseal dysplasia (FMD1). Identifiers: Orphanet 1826, MedGen C0265293, MONDO:0015942.
Melnick-Needles syndrome (MNS). Also called: MELNICK-NEEDLES OSTEODYSPLASTY; OSTEODYSPLASTY OF MELNICK AND NEEDLES; Melnick-Needles Syndrome (FLNA-MNS). Identifiers: Orphanet 2484, MedGen C0025237, MONDO:0010650, OMIM 309350.

Allele frequency attached by ClinVar (database versions not stated): gnomAD exomes below 0.00001.
gnomAD v4.1: 1 of 1,210,620 alleles (0.000083%); highest among the groups gnomAD compares: South Asian, 0.0018%; no homozygotes.

Submission:

Labcorp Genetics (formerly Invitae), Labcorp
Classification: Uncertain significance for Oto-palato-digital syndrome, type II; Heterotopia, periventricular, X-linked dominant; Frontometaphyseal dysplasia; Melnick-Needles syndrome. Last evaluated: 2023-01-22. Review status: criteria provided, single submitter. Criteria: Invitae Variant Classification Sherloc (09022015). Collection method: clinical testing. Allele origin: germline.
Comment: This variant is not present in population databases (gnomAD no frequency). In summary, the available evidence is currently insufficient to determine the role of this variant in disease. Therefore, it has been classified as a Variant of Uncertain Significance. Advanced modeling of protein sequence and biophysical properties (such as structural, functional, and spatial information, amino acid conservation, physicochemical variation, residue mobility, and thermodynamic stability) performed at Invitae indicates that this missense variant is not expected to disrupt FLNA protein function. This variant has not been reported in the literature in individuals affected with FLNA-related conditions. This sequence change replaces cysteine, which is neutral and slightly polar, with tyrosine, which is neutral and polar, at codon 478 of the FLNA protein (p.Cys478Tyr).